The following is an entry in ClinVar:

NC_000016.9:g.(?_68842317)_(68849672_?)dup

Gene: CDH1 (cadherin 1; plus strand). Cytogenetic location: 16q22.1.
Variant type: Duplication.
Identifiers: ClinVar variation 2425081 (VCV002425081.5).

ClinVar aggregate classification (germline): Likely pathogenic (1 of 4 stars; one submission).

Conditions:
Hereditary diffuse gastric adenocarcinoma (HDGC). Also called: DIFFUSE GASTRIC AND LOBULAR BREAST CANCER SYNDROME. Identifiers: Orphanet 26106, MedGen C1708349, MONDO:0007648, OMIM 137215.

Submission:

Labcorp Genetics (formerly Invitae), Labcorp
Classification: Likely pathogenic for Hereditary diffuse gastric adenocarcinoma. Last evaluated: 2022-08-03. Review status: criteria provided, single submitter. Criteria: Invitae Variant Classification Sherloc (09022015). Collection method: clinical testing. Allele origin: germline.
Comment: In summary, the currently available evidence indicates that the variant is pathogenic, but additional data are needed to prove that conclusively. Therefore, this variant has been classified as Likely Pathogenic. This variant has not been reported in the literature in individuals affected with CDH1-related conditions. This variant results in a copy number gain of the genomic region encompassing exon(s) 4-10 of the CDH1 gene. While the exact position of this variant cannot be determined from the data, sub-genic copy number gains are generally in tandem (PMID: 25640679). This variant is predicted to be out-of-frame, and may result in an absent or disrupted protein product. Loss-of-function variants in CDH1 are known to be pathogenic (PMID: 15235021, 20373070).

Literature cited by the submitters: PubMed 25640679; PubMed 15235021; PubMed 20373070.